The following is an entry in ClinVar:

ClinVar aggregate classification (germline): Uncertain significance (1 of 4 stars; one submission).

Conditions:
Tuberous sclerosis 1 (TSC1). Identifiers: Orphanet 805, MedGen C1854465, MONDO:0008612, OMIM 191100.

gnomAD v4.1: 1 of 1,614,196 alleles (0.000062%); highest among the groups gnomAD compares: East Asian, 0.0022%; no homozygotes.

Submission:

Labcorp Genetics (formerly Invitae), Labcorp
Classification: Uncertain significance for Tuberous sclerosis 1. Last evaluated: 2025-02-17. Review status: criteria provided, single submitter. Criteria: Invitae Variant Classification Sherloc (09022015). Collection method: clinical testing. Allele origin: germline.
Comment: This sequence change replaces proline, which is neutral and non-polar, with leucine, which is neutral and non-polar, at codon 114 of the TSC1 protein (p.Pro114Leu). This variant is not present in population databases (gnomAD no frequency). This variant has not been reported in the literature in individuals affected with TSC1-related conditions. Invitae Evidence Modeling of protein sequence and biophysical properties (such as structural, functional, and spatial information, amino acid conservation, physicochemical variation, residue mobility, and thermodynamic stability) indicates that this missense variant is not expected to disrupt TSC1 protein function with a negative predictive value of 95%. Algorithms developed to predict the effect of sequence changes on RNA splicing suggest that this variant may disrupt the consensus splice site. In summary, the available evidence is currently insufficient to determine the role of this variant in disease. Therefore, it has been classified as a Variant of Uncertain Significance.

NM_000368.5(TSC1):c.341C>T (p.Pro114Leu)

Gene: TSC1 (TSC complex subunit 1; minus strand). Cytogenetic location: 9q34.13.
Variant type: single nucleotide variant.
Coding change: c.341C>T on transcript NM_000368.5 (MANE Select); coding-DNA position 341, C replaced by T.
Protein change: p.Pro114Leu; replaces proline 114 with leucine.
Molecular consequence: missense variant. On other transcripts: 5 prime UTR variant (18), non-coding transcript variant (5), intron variant (5).
Genome position (GRCh38, 1-based): chr9:132,925,609, G>A on the plus strand (C>T on the coding strand, the complement: TSC1 is on the minus strand). VCF-style: chr9-132925609-G-A. GRCh37 (hg19) VCF-style: chr9-135800996-G-A.
Other names: c.341C>T, p.Pro114Leu (NM_001162426.2, NM_001406592.1, NM_001406593.1 and 16 more transcripts); c.-23C>T (NM_001362177.2, NM_001406617.1, NM_001406618.1 and 5 more transcripts); c.-115C>T (NM_001406614.1, NM_001406616.1, NM_001406624.1); c.-148C>T (NM_001406615.1, NM_001406623.1); c.-537C>T (NM_001406626.1, NM_001406627.1, NM_001406628.1); c.-679C>T (NM_001406629.1); c.-753C>T (NM_001406630.1); c.210+1592C>T (NM_001406613.1, NM_001406612.1, NM_001406610.1 and 2 more transcripts); short protein forms P114L.
Identifiers: ClinVar variation 4709637 (VCV004709637.1).